The following is an entry in ClinVar:

ClinVar aggregate classification (germline): Benign/Likely benign. Review status: criteria provided, multiple submitters, no conflicts (2 of 4 stars). 5 submissions from 5 submitters: Benign (2); Likely benign (3). Last evaluated 2026-02-04.

Conditions:
Congenital nephrotic syndrome. Also called: Familial nephrotic syndrome. Identifiers: MedGen C3501848, MeSH C535761, MONDO:0002350, HP:0008677.

Allele frequency attached by ClinVar (database versions not stated): ESP Exome Variant Server 0.00069; gnomAD 0.00180 and 0.00277; gnomAD exomes 0.00230 and 0.00507; ExAC 0.00496; TOPMed 0.00510; 1000 Genomes Project 30x 0.01187; 1000 Genomes Project 0.01298.
gnomAD v4.1: 3,914 of 1,613,896 alleles (0.24%); highest among the groups gnomAD compares: East Asian, 6.1%; 83 homozygotes.

Submissions (5):

Labcorp Genetics (formerly Invitae), Labcorp
Classification: Benign. Last evaluated: 2026-02-04. Review status: criteria provided, single submitter. Criteria: Invitae Variant Classification Sherloc (09022015). Collection method: clinical testing. Allele origin: germline.

Blueprint Genetics
Classification: Likely benign. Last evaluated: 2024-11-27. Review status: criteria provided, single submitter. Criteria: ACMG Guidelines, 2015. Collection method: clinical testing. Allele origin: germline.

GeneDx
Classification: Benign. Last evaluated: 2020-02-23. Review status: criteria provided, single submitter. Criteria: GeneDx Variant Classification Process June 2021. Collection method: clinical testing. Allele origin: germline. Affected: yes.

Illumina Laboratory Services, Illumina
Classification: Likely benign for Congenital nephrotic syndrome. Last evaluated: 2018-01-13. Review status: criteria provided, single submitter. Criteria: ICSL Variant Classification Criteria 13 December 2019. Collection method: clinical testing. Allele origin: germline.
Comment: This variant was observed in the ICSL laboratory as part of a predisposition screen in an ostensibly healthy population. It had not been previously curated by ICSL or reported in the Human Gene Mutation Database (HGMD: prior to June 1st, 2018), and was therefore a candidate for classification through an automated scoring system. Utilizing variant allele frequency, disease prevalence and penetrance estimates, and inheritance mode, an automated score was calculated to assess if this variant is too frequent to cause the disease. Based on the score and internal cut-off values, a variant classified as likely benign is not then subjected to further curation. The score for this variant resulted in a classification of likely benign for this disease.

Breakthrough Genomics
Classification: Likely benign. Review status: criteria provided, single submitter. Criteria: ACMG Guidelines, 2015. Collection method: not provided. Allele origin: germline. Inheritance: Autosomal recessive inheritance. Affected: yes.

NM_004646.4(NPHS1):c.397+15C>T

Gene: NPHS1 (NPHS1 adhesion molecule, nephrin; minus strand). Cytogenetic location: 19q13.12.
Variant type: single nucleotide variant.
Coding change: c.397+15C>T on transcript NM_004646.4 (MANE Select); 15 bases into the intron after coding-DNA position 397, C replaced by T.
Molecular consequence: intron variant.
Genome position (GRCh38, 1-based): chr19:35,851,247, G>A on the plus strand (C>T on the coding strand, the complement: NPHS1 is on the minus strand). VCF-style: chr19-35851247-G-A. GRCh37 (hg19) VCF-style: chr19-36342149-G-A.
Identifiers: ClinVar variation 328881 (VCV000328881.17), dbSNP rs78237760, ClinGen allele CA9390823.